The following is an entry in ClinVar:

ClinVar aggregate classification (germline): Uncertain significance (1 of 4 stars; one submission).

Conditions:
Hereditary cancer-predisposing syndrome. Also called: Hereditary Cancer Syndrome; Neoplastic Syndromes, Hereditary; Tumor predisposition; Hereditary neoplastic syndrome. Identifiers: Orphanet 140162, MedGen C0027672, MeSH D009386, MONDO:0015356.

Allele frequency attached by ClinVar (database versions not stated): gnomAD exomes below 0.00001.
gnomAD v4.1: 3 of 1,613,240 alleles (0.00019%); highest among the groups gnomAD compares: Non-Finnish European, 0.00025%; no homozygotes.

Submission:

Ambry Genetics
Classification: Uncertain significance for Hereditary cancer-predisposing syndrome. Last evaluated: 2024-08-31. Review status: criteria provided, single submitter. Criteria: Ambry Variant Classification Scheme 2023. Collection method: clinical testing. Allele origin: germline.
Comment: The p.I181L variant (also known as c.541A>C), located in coding exon 1 of the GREM1 gene, results from an A to C substitution at nucleotide position 541. The isoleucine at codon 181 is replaced by leucine, an amino acid with highly similar properties. This amino acid position is conserved. In addition, this alteration is predicted to be tolerated by in silico analysis. Since supporting evidence is limited at this time, the clinical significance of this alteration remains unclear.

NM_013372.7(GREM1):c.541A>C (p.Ile181Leu)

Gene: GREM1 (gremlin 1, DAN family BMP antagonist; plus strand). Cytogenetic location: 15q13.3.
Variant type: single nucleotide variant.
Coding change: c.541A>C on transcript NM_013372.7 (MANE Select); coding-DNA position 541, A replaced by C.
Protein change: p.Ile181Leu; replaces isoleucine 181 with leucine.
Molecular consequence: missense variant.
Genome position (GRCh38, 1-based): chr15:32,731,231, A>C. VCF-style: chr15-32731231-A-C. GRCh37 (hg19) VCF-style: chr15-33023432-A-C.
Other names: c.331A>C, p.Ile111Leu (NM_001191322.2); c.418A>C, p.Ile140Leu (NM_001191323.2); c.541A>C, p.Ile181Leu (NM_001368719.1); short protein forms I140L, I111L, I181L.
Identifiers: ClinVar variation 1747406 (VCV001747406.3), dbSNP rs2055611401, ClinGen allele CA391558184.